The following is an entry in ClinVar:

ClinVar aggregate classification (germline): Uncertain significance (1 of 4 stars; one submission).

Conditions:
Intellectual developmental disorder, X-linked, syndromic, Hedera type. Also called: Syndromic X-linked intellectual disability Hedera type. Identifiers: Orphanet 93952, MedGen C1845543, MONDO:0010319, OMIM 300423.

Allele frequency attached by ClinVar (database versions not stated): gnomAD exomes 0.00002.
gnomAD v4.1: 15 of 1,210,647 alleles (0.0012%); highest among the groups gnomAD compares: Non-Finnish European, 0.0017%; no homozygotes.

Submission:

Labcorp Genetics (formerly Invitae), Labcorp
Classification: Uncertain significance for Intellectual developmental disorder, X-linked, syndromic, Hedera type. Last evaluated: 2020-08-20. Review status: criteria provided, single submitter. Criteria: Invitae Variant Classification Sherloc (09022015). Collection method: clinical testing. Allele origin: germline.
Comment: In summary, the available evidence is currently insufficient to determine the role of this variant in disease. Therefore, it has been classified as a Variant of Uncertain Significance. Algorithms developed to predict the effect of missense changes on protein structure and function are either unavailable or do not agree on the potential impact of this missense change (SIFT: "Deleterious"; PolyPhen-2: "Probably Damaging"; Align-GVGD: "Class C0"). This variant has not been reported in the literature in individuals with ATP6AP2-related conditions. This variant is not present in population databases (ExAC no frequency). This sequence change replaces proline with serine at codon 97 of the ATP6AP2 protein (p.Pro97Ser). The proline residue is highly conserved and there is a moderate physicochemical difference between proline and serine.

NM_005765.3(ATP6AP2):c.289C>T (p.Pro97Ser)

Gene: ATP6AP2 (ATPase H+ transporting accessory protein 2; plus strand). Cytogenetic location: Xp11.4.
Variant type: single nucleotide variant.
Coding change: c.289C>T on transcript NM_005765.3 (MANE Select); coding-DNA position 289, C replaced by T.
Protein change: p.Pro97Ser; replaces proline 97 with serine.
Molecular consequence: missense variant.
Genome position (GRCh38, 1-based): chrX:40,591,354, C>T. VCF-style: chrX-40591354-C-T. GRCh37 (hg19) VCF-style: chrX-40450606-C-T.
Other names: short protein forms P97S.
Identifiers: ClinVar variation 1023367 (VCV001023367.9), dbSNP rs1926621605, ClinGen allele CA412754482.